The following is an entry in ClinVar:

NM_012301.4(MAGI2):c.1014G>A (p.Lys338=)

Gene: MAGI2 (membrane associated guanylate kinase, WW and PDZ domain containing 2; minus strand). Cytogenetic location: 7q21.11.
Variant type: single nucleotide variant.
Coding change: c.1014G>A on transcript NM_012301.4 (MANE Select); coding-DNA position 1014, G replaced by A.
Protein change: p.Lys338=; no amino-acid change (lysine 338 retained).
Molecular consequence: synonymous variant.
Genome position (GRCh38, 1-based): chr7:78,489,792, C>T on the plus strand (G>A on the coding strand, the complement: MAGI2 is on the minus strand). VCF-style: chr7-78489792-C-T. GRCh37 (hg19) VCF-style: chr7-78119109-C-T.
Other names: p.Lys338=; c.1014G>A, p.Lys338= (NM_001301128.2).
Identifiers: ClinVar variation 129557 (VCV000129557.21), dbSNP rs3735442, ClinGen allele CA153628.
Genomic context (GRCh38, chr7:78,489,792, plus strand): 5'-TGAAACACCATAAAAACTTAATAACCTACCATTTTCTTTGCACTCTTCTGGAGGTTTAGC[C>T]TTTTTCGCAAGTCGTGGATCCAGCCATGATGTTGTCTTTGTGTTATGGCTGAAAAGAAAA-3'
Protein context (NP_036433.2, residues 328-348): TSWLDPRLAK[Lys338=]AKPPEECKEN

ClinVar aggregate classification (germline): Benign. Review status: criteria provided, multiple submitters, no conflicts (2 of 4 stars). 8 submissions from 8 submitters: Benign (7). 1 of the submissions does not count toward it. Last evaluated 2026-02-04.

Allele frequency attached by ClinVar (database versions not stated): gnomAD exomes 0.28777; ExAC 0.29420; 1000 Genomes Project 0.32308; 1000 Genomes Project 30x 0.32386; gnomAD 0.32833 and 0.33029; TOPMed 0.32884; ESP Exome Variant Server 0.34546.
gnomAD v4.1: 491,797 of 1,610,112 alleles (31%); highest among the groups gnomAD compares: African/African-American, 43%; 76,886 homozygotes.

Submissions (8):

Labcorp Genetics (formerly Invitae), Labcorp
Classification: Benign. Last evaluated: 2026-02-04. Review status: criteria provided, single submitter. Criteria: Invitae Variant Classification Sherloc (09022015). Collection method: clinical testing. Allele origin: germline.

Blueprint Genetics
Classification: Benign. Last evaluated: 2024-11-27. Review status: criteria provided, single submitter. Criteria: ACMG Guidelines, 2015. Collection method: clinical testing. Allele origin: germline.

Unidad de Genómica Garrahan, Hospital de Pediatría Garrahan
Classification: Benign. Last evaluated: 2024-07-15. Review status: criteria provided, single submitter. Criteria: ACMG Guidelines, 2015. Collection method: clinical testing. Allele origin: germline. Affected: no. Observed: 38 variant alleles.
Comment: This variant is classified as Benign based on local population frequency. This variant was detected in 41% of patients studied in a panel designed for Epileptic and Developmental Encephalopathy and Progressive Myoclonus Epilepsy. Number of patients: 38. Only high quality variants are reported.

Mayo Clinic Laboratories, Mayo Clinic
Classification: Benign. Last evaluated: 2022-03-09. Review status: criteria provided, single submitter. Criteria: ACMG Guidelines, 2015. Collection method: clinical testing. Allele origin: germline. Observed: 78 variant alleles.

GeneDx
Classification: Benign. Last evaluated: 2019-10-25. Review status: criteria provided, single submitter. Criteria: GeneDx Variant Classification Process June 2021. Collection method: clinical testing. Allele origin: germline. Affected: yes.

Athena Diagnostics
Classification: Benign. Last evaluated: 2017-04-20. Review status: criteria provided, single submitter. Criteria: Athena Diagnostics Criteria. Collection method: clinical testing. Allele origin: germline.

Breakthrough Genomics
Classification: Benign. Review status: criteria provided, single submitter. Criteria: ACMG Guidelines, 2015. Collection method: not provided. Allele origin: germline. Inheritance: Autosomal recessive inheritance. Affected: yes.

Genetic Services Laboratory, University of Chicago
Classification: Likely benign for AllHighlyPenetrant. Review status: no assertion criteria provided. Collection method: clinical testing. Allele origin: germline. Inheritance: Autosomal dominant inheritance. Not counted in ClinVar's aggregate classification.
Comment: Likely benign based on allele frequency in 1000 Genomes Project or ESP global frequency and its presence in a patient with a rare or unrelated disease phenotype. NOT Sanger confirmed.